The following is an entry in ClinVar:

ClinVar aggregate classification (germline): Uncertain significance (1 of 4 stars; one submission).

Submission:

Labcorp Genetics (formerly Invitae), Labcorp
Classification: Uncertain significance. Last evaluated: 2023-04-26. Review status: criteria provided, single submitter. Criteria: Invitae Variant Classification Sherloc (09022015). Collection method: clinical testing. Allele origin: germline.
Comment: In summary, the available evidence is currently insufficient to determine the role of this variant in disease. Therefore, it has been classified as a Variant of Uncertain Significance. Algorithms developed to predict the effect of sequence changes on RNA splicing suggest that this variant may create or strengthen a splice site. An algorithm developed to predict the effect of missense changes on protein structure and function (PolyPhen-2) suggests that this variant is likely to be disruptive. This variant has not been reported in the literature in individuals affected with KIF22-related conditions. This variant is not present in population databases (gnomAD no frequency). This sequence change replaces glutamic acid, which is acidic and polar, with glutamine, which is neutral and polar, at codon 632 of the KIF22 protein (p.Glu632Gln).

NM_007317.3(KIF22):c.1894G>C (p.Glu632Gln)

Gene: KIF22 (kinesin family member 22; plus strand). Cytogenetic location: 16p11.2.
Variant type: single nucleotide variant.
Coding change: c.1894G>C on transcript NM_007317.3 (MANE Select); coding-DNA position 1894, G replaced by C.
Protein change: p.Glu632Gln; replaces glutamic acid 632 with glutamine.
Molecular consequence: missense variant.
Genome position (GRCh38, 1-based): chr16:29,805,118, G>C. VCF-style: chr16-29805118-G-C. GRCh37 (hg19) VCF-style: chr16-29816439-G-C.
Other names: c.1690G>C, p.Glu564Gln (NM_001256269.2, NM_001256270.1); short protein forms E632Q, E564Q.
Identifiers: ClinVar variation 2870678 (VCV002870678.3), dbSNP rs370766632, ClinGen allele CA280393479.